The following is an entry in ClinVar:

NM_024426.6(WT1):c.1245G>T (p.Met415Ile)

Gene: WT1 (WT1 transcription factor; minus strand). Cytogenetic location: 11p13.
Variant type: single nucleotide variant.
Coding change: c.1245G>T on transcript NM_024426.6 (MANE Select); coding-DNA position 1245, G replaced by T.
Protein change: p.Met415Ile; replaces methionine 415 with isoleucine.
Molecular consequence: missense variant. On other transcripts: non-coding transcript variant (2).
Genome position (GRCh38, 1-based): chr11:32,396,276, C>A on the plus strand (G>T on the coding strand, the complement: WT1 is on the minus strand). VCF-style: chr11-32396276-C-A. GRCh37 (hg19) VCF-style: chr11-32417822-C-A.
Other names: c.1194G>T, p.Met398Ile (NM_000378.6, NM_001407045.1, NM_001407048.1 and 1 more transcripts); c.594G>T, p.Met198Ile (NM_001198551.2); c.543G>T, p.Met181Ile (NM_001198552.2); c.57G>T, p.Met19Ile (NM_001367854.1); c.1239G>T, p.Met413Ile (NM_001407044.1); c.1245G>T, p.Met415Ile (NM_001407046.1, NM_024424.5); c.1122G>T, p.Met374Ile (NM_001407047.1); c.1071G>T, p.Met357Ile (NM_001407050.1); and 3 more; short protein forms M198I, M342I, M398I, M161I, M19I, M357I, M410I, M415I.
Identifiers: ClinVar variation 4843804 (VCV004843804.1).

ClinVar aggregate classification (germline): Uncertain significance (1 of 4 stars; one submission).

Conditions:
Inborn genetic diseases. Identifiers: MedGen C0950123, MeSH D030342.

Submission:

Ambry Genetics
Classification: Uncertain significance for Inborn genetic diseases. Last evaluated: 2025-12-26. Review status: criteria provided, single submitter. Criteria: Ambry Variant Classification Scheme 2023. Collection method: clinical testing. Allele origin: germline.
Comment: The p.M410I variant (also known as c.1230G>T), located in coding exon 7 of the WT1 gene, results from a G to T substitution at nucleotide position 1230. The methionine at codon 410 is replaced by isoleucine, an amino acid with highly similar properties. This amino acid position is conserved. In addition, this alteration is predicted to be tolerated by in silico analysis. Based on the available evidence, the clinical significance of this variant remains unclear.